The following is an entry in ClinVar:

NM_199069.2(NDUFAF3):c.109G>A (p.Ala37Thr)

Genes: NDUFAF3 (NADH:ubiquinone oxidoreductase complex assembly factor 3; plus strand), LOC129936730 (ATAC-STARR-seq lymphoblastoid silent region 14350; plus strand). Cytogenetic location: 3p21.31.
Variant type: single nucleotide variant.
Coding change: c.109G>A on transcript NM_199069.2 (MANE Select); coding-DNA position 109, G replaced by A.
Protein change: p.Ala37Thr; replaces alanine 37 with threonine.
Molecular consequence: missense variant. On other transcripts: 5 prime UTR variant (3).
Genome position (GRCh38, 1-based): chr3:49,022,377, G>A. VCF-style: chr3-49022377-G-A. GRCh37 (hg19) VCF-style: chr3-49059810-G-A.
Other names: c.-63G>A (NM_199070.2, NM_199073.2, NM_199074.2); short protein forms A37T.
Identifiers: ClinVar variation 214745 (VCV000214745.7), dbSNP rs527954570, ClinGen allele CA320726.
Genomic context (GRCh38, chr3:49,022,377, plus strand): 5'-CCCGCGCCCCTGACCCTTTCCCTCCGCAGGGCCCCGCGGCGAGGGCATCGGCTCTCGCCG[G>A]CGGATGACGAGCTGTATCAGCGGACGCGCATCTCTCTGCTGCAACGCGAGGCCGCTCAGG-3'
Protein context (NP_951032.1, residues 27-47): APRRGHRLSP[Ala37Thr]DDELYQRTRI

ClinVar aggregate classification (germline): Conflicting classifications of pathogenicity. Review status: criteria provided, conflicting classifications (1 of 4 stars). 3 submissions from 3 submitters: Uncertain significance (2); Likely benign (1). Last evaluated 2025-06-11.

Conditions:
Mitochondrial complex I deficiency, nuclear type 1. Also called: NADH-COENZYME Q REDUCTASE DEFICIENCY; MITOCHONDRIAL NADH DEHYDROGENASE COMPONENT OF COMPLEX I, DEFICIENCY OF. Identifiers: MedGen C6022305, MONDO:0100224, OMIM 252010.
Inborn genetic diseases. Identifiers: MedGen C0950123, MeSH D030342.

Allele frequency attached by ClinVar (database versions not stated): gnomAD exomes 0.00001 and 0.00002; ExAC 0.00003; TOPMed 0.00012; gnomAD 0.00014; 1000 Genomes Project 30x 0.00016; 1000 Genomes Project 0.00020.
gnomAD v4.1: 37 of 1,612,624 alleles (0.0023%); highest among the groups gnomAD compares: African/African-American, 0.04%; no homozygotes.

Submissions (3):

Ambry Genetics
Classification: Likely benign for Inborn genetic diseases. Last evaluated: 2025-06-11. Review status: criteria provided, single submitter. Criteria: Ambry Variant Classification Scheme 2023. Collection method: clinical testing. Allele origin: germline.

Labcorp Genetics (formerly Invitae), Labcorp
Classification: Uncertain significance. Last evaluated: 2022-03-23. Review status: criteria provided, single submitter. Criteria: Invitae Variant Classification Sherloc (09022015). Collection method: clinical testing. Allele origin: germline.
Comment: In summary, the available evidence is currently insufficient to determine the role of this variant in disease. Therefore, it has been classified as a Variant of Uncertain Significance. Algorithms developed to predict the effect of missense changes on protein structure and function output the following: SIFT: "Tolerated"; PolyPhen-2: "Benign"; Align-GVGD: "Class C0". The threonine amino acid residue is found in multiple mammalian species, which suggests that this missense change does not adversely affect protein function. ClinVar contains an entry for this variant (Variation ID: 214745). This variant has not been reported in the literature in individuals affected with NDUFAF3-related conditions. This variant is present in population databases (rs527954570, gnomAD 0.03%). This sequence change replaces alanine, which is neutral and non-polar, with threonine, which is neutral and polar, at codon 37 of the NDUFAF3 protein (p.Ala37Thr).

Baylor Genetics
Classification: Uncertain significance for Mitochondrial complex I deficiency, nuclear type 1. Last evaluated: 2018-07-16. Review status: criteria provided, single submitter. Criteria: ACMG Guidelines, 2015. Collection method: clinical testing. Allele origin: unknown. Affected: yes.
Comment: This variant was determined to be of uncertain significance according to ACMG Guidelines, 2015 [PMID:25741868].